The following continues an entry in ClinVar:

NM_000402.4(G6PD):c.1466G>T (p.Arg489Leu)

Gene: G6PD. ClinVar aggregate classification (germline): Pathogenic. Pathogenic (21).

Submissions 12 to 23 of 28:

Victorian Clinical Genetics Services, Murdoch Childrens Research Institute
Classification: Pathogenic for Anemia, nonspherocytic hemolytic, due to G6PD deficiency. Last evaluated: 2023-12-21. Review status: criteria provided, single submitter. Criteria: ACMG Guidelines, 2015. Collection method: clinical testing. Allele origin: germline. Inheritance: X-linked recessive inheritance.
Comment: Based on the classification scheme VCGS_Germline_v1.3.4, this variant is classified as Pathogenic. Following criteria are met: 0102 - Loss of function is a known mechanism of disease in this gene and is associated with G6PD deficient haemolytic anaemia (favism) (MIM#300908). (I) 0109 - This gene is associated with X-linked recessive disease. Hemizygous males and homozygous females are commonly affected; however, some heterozygous female carriers can also be affected depending on X-inactivation. (I) 0200 - Variant is predicted to result in a missense amino acid change from arginine to leucine. (I) 0253 - This variant is hemizygous. (I) 0305 - Variant is present in gnomAD >=0.01 and <0.03 for a recessive condition in the East Asian subpopulation (115 heterozygotes, 0 homozygotes, 43 hemizygotes). (I) 0309 - Multiple alternative amino acid changes at the same position have been observed in gnomAD (v2) (highest allele count: 1 heterozygote, 0 homozygotes, 1 hemizygote). (I) 0502 - Missense variant with conflicting in silico predictions and uninformative conservation. (I) 0600 - Variant is located in the annotated glucose-6-phosphate dehydrogenase, C-terminal domain (DECIPHER). (I) 0801 - This variant has strong previous evidence of pathogenicity in unrelated individuals. This variant has been reported many times as pathogenic, is referred to as the Canton variant, and is enriched in East Asian populations (ClinVar, PMID: 36315991). (I) Legend: (SP) - Supporting pathogenic, (I) - Information, (SB) - Supporting benign

3billion
Classification: Pathogenic for Anemia, nonspherocytic hemolytic, due to G6PD deficiency. Last evaluated: 2023-09-25. Review status: criteria provided, single submitter. Criteria: ACMG Guidelines, 2015. Collection method: clinical testing. Allele origin: germline. Affected: yes.
Comment: It is observed in the gnomAD v2.1.1 dataset at total allele frequency of 0.078%. Predicted Consequence/Location: The variant is located in a mutational hot spot and/or well-established functional domain in which established pathogenic variants have been reported. Missense changes are a common disease-causing mechanism. In silico tool predictions suggest damaging effect of the variant on gene or gene product [REVEL: 0.70 (>=0.6, sensitivity 0.68 and specificity 0.92); 3Cnet: 0.97 (>=0.6, sensitivity 0.72 and precision 0.9)]. Same nucleotide change resulting in same amino acid change has been previously reported as pathogenic/likely pathogenic with strong evidence (ClinVar ID: VCV000100058 /PMID: 2263506). Different missense changes at the same codon (p.Arg459Cys, p.Arg459Gly, p.Arg459His, p.Arg459Pro) have been reported as pathogenic/likely pathogenic with strong evidence (ClinVar ID: VCV000010422, VCV001469858, VCV001485870, VCV001722634 /PMID: 32987391, 8447319). Therefore, this variant is classified as Pathogenic according to the recommendation of ACMG/AMP guideline.

GeneDx
Classification: Pathogenic. Last evaluated: 2023-06-04. Review status: criteria provided, single submitter. Criteria: GeneDx Variant Classification Process June 2021. Collection method: clinical testing. Allele origin: germline. Affected: yes.
Comment: In vitro functional studies indicate that R459L has a reduced catalytic efficiency of approximately 50% compared to wild type enzyme (Boonyuen et al., 2017); In silico analysis supports that this missense variant has a deleterious effect on protein structure/function; This variant is associated with the following publications: (PMID: 9891846, 34659341, 34746046, 2263506, 11499668, 14505231, 1953767, 29783823, 29339739, 11793482, 31374327, 34570182, 12215013, 34953813, 29251006, 35193651, 28376293, 35313968, 8571933, 28583873)

Mayo Clinic Laboratories, Mayo Clinic
Classification: Pathogenic. Last evaluated: 2022-10-20. Review status: criteria provided, single submitter. Criteria: ACMG Guidelines, 2015. Collection method: clinical testing. Allele origin: germline. Observed: 1 variant allele.
Comment: PP4, PP5, PM5, PS3, PS4_moderate

Dunham Lab, University of Washington
Classification: Pathogenic for Anemia, nonspherocytic hemolytic, due to G6PD deficiency. Last evaluated: 2022-08-12. Review status: criteria provided, single submitter. Criteria: Bayesian ACMG Guidelines, 2018. Collection method: curation. Allele origin: inherited. Affected: yes.
Comment: Variant found in unrelated hemizygotes with deficiency, some with anemia, jaundice, and kernicterus (PS4_M, PP4). Segregates with deficiency in multiple unrelated families (PP1). Decreased activity in red blood cells (1-52%) (PS3). Affects same amino acid as pathogenic 459R>P (ClinVar ID 10422) (PM5). Predicted to be disease causing by Mutation Taster and possibly damaging by PolyPhen (PP3). Below expected carrier frequency in gnomAD (PM2). Reported as pathogenic by multiple clinical testing groups (PP5). Post_P 0.9997 (odds of pathogenicity 28416, Prior_P 0.1).

Mendelics
Classification: Pathogenic for Anemia, nonspherocytic hemolytic, due to G6PD deficiency. Last evaluated: 2022-05-04. Review status: criteria provided, single submitter. Criteria: Mendelics Assertion Criteria 2019. Collection method: clinical testing. Allele origin: germline.

Illumina Laboratory Services, Illumina
Classification: Pathogenic for Glucose 6 phosphate dehydrogenase deficiency. Last evaluated: 2019-04-05. Review status: criteria provided, single submitter. Criteria: ICSL Variant Classification Criteria 09 May 2019. Collection method: clinical testing. Allele origin: germline.
Comment: The G6PD c.1376G>T (p.Arg459Leu) missense variant, also described as G6PD Canton, is one of the most common glucose-6-phosphate dehydrogenase (G6PD) deficiency variants in certain Asian populations. Across a selection of the available literature, the p.Arg459Leu variant was observed in 116 G6PD deficiency cases, mostly in individuals of Chinese ancestry (Stevens et al. 1990; Tang et al. 1992; Cai et al. 2000; Deng et al. 2007; Phompradit et al. 2011; Yang et al. 2014). Control data are unavailable for the p.Arg459Leu variant, which is reported at a frequency of 0.01061 in the East Asian population of the Genome Aggregation Database including 42 hemizygotes in this population and 43 hemizygotes in the total population. Based on the evidence, the p.Arg459Leu variant is classified as pathogenic for glucose-6-phosphate dehydrogenase deficiency. This variant was observed by ICSL as part of a predisposition screen in an ostensibly healthy population.

Eurofins Ntd Llc (ga)
Classification: Pathogenic. Last evaluated: 2015-11-09. Review status: criteria provided, single submitter. Criteria: EGL Classification Definitions. Collection method: clinical testing. Allele origin: germline. Observed: 9 variant alleles, 5 heterozygotes, 4 hemizygotes.

Department of Traditional Chinese Medicine, Fujian Provincial Hospital
Classification: Pathogenic for Anemia, nonspherocytic hemolytic, due to G6PD deficiency. Review status: criteria provided, single submitter. Criteria: ACMG Guidelines, 2015. Collection method: research. Allele origin: inherited.
Comment: NM _ 001360016.2 (G6PD): c.1376G > T is a missense variation, which has been reported in the literature in patients with the same phenotype(PMID:25775246, 26823837, 25440321, 25541721). Previous experiments have shown that this missense variation will lead to enzyme activity and affinity for glucose 6- phosphate. Significantly decreased (PMID:16607506), the mutation of the same site leading to the change to another amino acid has been confirmed to be pathogenic. According to ACMG guidelines, the mutation point conforms to PS3 (Well-established in vitro or in vivo functional studies supportive of a damaging effect on the gene or gene product.), PS4 (The prevalence of the variant in affected individuals is significantly increased compared to the prevalence in controls.), PM5 (Novel missense change at an amino acid residue where a different missense change determined to be pathogenic has been seen before.) and PP3 (Multiple lines of computational evidence support a deleterious effect on the gene or gene product.), so we consider this mutation point to be pathogenic.

Juno Genomics, Hangzhou Juno Genomics, Inc
Classification: Pathogenic for Malaria, susceptibility to; Anemia, nonspherocytic hemolytic, due to G6PD deficiency. Review status: criteria provided, single submitter. Criteria: ACMG Guidelines, 2015. Collection method: clinical testing. Allele origin: germline.
Comment: Well-established in vitro or in vivo functional studies supportive of a damaging effect on the gene or gene product.;The prevalence of the variant in affected individuals is significantly increased compared to the prevalence in controls.;Novel missense change at an amino acid residue where a different missense change determined to be pathogenic has been seen before.

Gene Friend Way, National Innovation Center
Classification: Pathogenic for Type 2 diabetes mellitus. Last evaluated: 2025-01-01. Review status: no assertion criteria provided. Collection method: clinical testing. Allele origin: unknown. Affected: yes. Observed: 1 variant allele. Not counted in ClinVar's aggregate classification.
Comment: In silico analysis predict the effect of missense changes on protein structure and function that this variant is likely to be disruptive. The variant is located in a mutational hot spot and/or well-established functional domain in which established pathogenic variants have been reported. Studies reported this variant as one of the most common pathogenic variants associated with glucose-6-phosphate dehydrogenase deficiency in the East Asian population (PMID: 36949502; 33051526). G6PD deficiency is a genetic disorder that poses a significantly higher risk for developing Type 2 diabetes and its complications (PMID: 38834682).

Reproductive Health Research and Development, BGI Genomics
Classification: Pathogenic for Glucose 6 phosphate dehydrogenase deficiency. Last evaluated: 2020-01-06. Review status: no assertion criteria provided. Collection method: curation. Allele origin: germline. Not counted in ClinVar's aggregate classification.
Comment: NM_001042351.1:c.1376G>T in the G6PD gene has an allele frequency of 0.012 in East Asian subpopulation in the gnomAD database. The c.1376G>T (p.Arg459Leu) variant was observed in numerous G6PD deficiency cases, mostly in individuals of Chinese ancestry (PMID: 25440321; 22171972; 21874587). Experimental studies have shown that this missense change causes a significant reduction in enzyme activity and affinity for glucose-6-phosphate (PMID: 16607506). Taken together, we interprete this variant as Pathogenic/Likely pathogenic. Pathogenic computational verdict because pathogenic predictions from DANN, DEOGEN2, FATHMM-MKL, MVP, MutationTaster and REVEL. ACMG/AMP Criteria applied: PS3; PS4; PP4; PP3.